The following is an entry in ClinVar:

NM_000179.3(MSH6):c.1029T>G (p.Pro343=)

Gene: MSH6 (mutS homolog 6; plus strand). Cytogenetic location: 2p16.3.
Variant type: single nucleotide variant.
Coding change: c.1029T>G on transcript NM_000179.3 (MANE Select); coding-DNA position 1029, T replaced by G.
Protein change: p.Pro343=; no amino-acid change (proline 343 retained).
Molecular consequence: synonymous variant. On other transcripts: non-coding transcript variant (4), intron variant (1).
Genome position (GRCh38, 1-based): chr2:47,799,012, T>G. VCF-style: chr2-47799012-T-G. GRCh37 (hg19) VCF-style: chr2-48026151-T-G.
Other names: c.639T>G, p.Pro213= (NM_001281492.2); c.123T>G, p.Pro41= (NM_001281493.2, NM_001281494.2, NM_001406811.1 and 6 more transcripts); c.1125T>G, p.Pro375= (NM_001406795.1, NM_001406802.1); c.1029T>G, p.Pro343= (NM_001406796.1, NM_001406798.1, NM_001406800.1 and 4 more transcripts); c.732T>G, p.Pro244= (NM_001406797.1, NM_001406801.1, NM_001406805.1 and 10 more transcripts); c.504T>G, p.Pro168= (NM_001406799.1, NM_001406806.1, NM_001406807.1); c.951T>G, p.Pro317= (NM_001406804.1); c.1035T>G, p.Pro345= (NM_001406813.1); and 2 more.
Identifiers: ClinVar variation 3903961 (VCV003903961.1).
Genomic context (GRCh38, chr2:47,799,012, plus strand): 5'-CAAACAAGCAACTAGCATTTCATCAGAAACCAAGAATACTTTGAGAGCTTTCTCTGCCCC[T>G]CAAAATTCTGAATCCCAAGCCCACGTTAGTGGAGGTGGTGATGACAGTAGTCGCCCTACT-3'
Protein context (NP_000170.1, residues 333-353): TKNTLRAFSA[Pro343=]QNSESQAHVS

ClinVar aggregate classification (germline): Benign (1 of 4 stars; one submission).

Conditions:
Lynch syndrome 5 (LYNCH5). Also called: Colorectal cancer, hereditary nonpolyposis, type 5; Hereditary non-polyposis colorectal cancer, type 5. Identifiers: Orphanet 144, MedGen C1833477, MONDO:0013710, OMIM 614350. Disease mechanism: loss of function.

Submission:

Myriad Genetics, Inc.
Classification: Benign for Lynch syndrome 5. Last evaluated: 2024-12-20. Review status: criteria provided, single submitter. Criteria: Myriad Autosomal Dominant, Autosomal Recessive and X-Linked Classification Criteria (2023). Collection method: clinical testing. Allele origin: unknown.
Comment: This variant is considered benign. This variant is a silent/synonymous amino acid change and it is not expected to impact splicing.